The following is an entry in ClinVar:

ClinVar aggregate classification (germline): Benign/Likely benign. Review status: criteria provided, multiple submitters, no conflicts (2 of 4 stars). 10 submissions from 10 submitters: Benign (4); Likely benign (3). 3 of the submissions do not count toward it. Last evaluated 2026-09-01.

Conditions:
Familial hypokalemia-hypomagnesemia (GTLMNS). Also called: gitelman syndrome; HYPOMAGNESEMIA-HYPOKALEMIA, PRIMARY RENOTUBULAR, WITH HYPOCALCIURIA; POTASSIUM AND MAGNESIUM DEPLETION. Identifiers: Orphanet 358, MedGen C0268450, MONDO:0009904, OMIM 263800.

Allele frequency attached by ClinVar (database versions not stated): 1000 Genomes Project 30x 0.00172; 1000 Genomes Project 0.00180; gnomAD exomes 0.00503; ExAC 0.00508; gnomAD 0.00541 and 0.00557; ESP Exome Variant Server 0.00569; TOPMed 0.00596.
gnomAD v4.1: 13,622 of 1,613,494 alleles (0.84%); highest among the groups gnomAD compares: Non-Finnish European, 1%; 74 homozygotes.

Submissions (10):

CeGaT Center for Human Genetics Tuebingen
Classification: Benign. Last evaluated: 2026-09-01. Review status: criteria provided, single submitter. Criteria: CeGaT Center For Human Genetics Tuebingen Variant Classification Criteria Version 2. Collection method: clinical testing. Allele origin: germline. Affected: yes. Observed: 16 variant alleles.
Comment: SLC12A3: BP4, BS1, BS2

Labcorp Genetics (formerly Invitae), Labcorp
Classification: Benign. Last evaluated: 2026-01-28. Review status: criteria provided, single submitter. Criteria: Invitae Variant Classification Sherloc (09022015). Collection method: clinical testing. Allele origin: germline.

Mayo Clinic Laboratories, Mayo Clinic
Classification: Likely benign. Last evaluated: 2024-12-04. Review status: criteria provided, single submitter. Criteria: ACMG Guidelines, 2015. Collection method: clinical testing. Allele origin: germline. Observed: 3 variant alleles.
Comment: BP4, BP7

Fulgent Genetics
Classification: Likely benign for Familial hypokalemia-hypomagnesemia. Last evaluated: 2022-04-06. Review status: criteria provided, single submitter. Criteria: ACMG Guidelines, 2015. Collection method: clinical testing. Allele origin: unknown.

Genome-Nilou Lab
Classification: Benign for Familial hypokalemia-hypomagnesemia. Last evaluated: 2021-07-15. Review status: criteria provided, single submitter. Criteria: ACMG Guidelines, 2015. Collection method: clinical testing. Allele origin: germline. Affected: no.

GeneDx
Classification: Benign. Last evaluated: 2021-06-15. Review status: criteria provided, single submitter. Criteria: GeneDx Variant Classification Process June 2021. Collection method: clinical testing. Allele origin: germline. Affected: yes.
Comment: This variant is associated with the following publications: (PMID: 31672324, 22009145)

Illumina Laboratory Services, Illumina
Classification: Likely benign for Familial hypokalemia-hypomagnesemia. Last evaluated: 2017-04-27. Review status: criteria provided, single submitter. Criteria: ICSL Variant Classification Criteria 13 December 2019. Collection method: clinical testing. Allele origin: germline.
Comment: This variant was observed as part of a predisposition screen in an ostensibly healthy population. A literature search was performed for the gene, cDNA change, and amino acid change (where applicable). No publications were found based on this search. Allele frequency data from public databases allowed determination this variant is unlikely to cause disease. Therefore, this variant is classified as likely benign.

Natera, Inc.
Classification: Benign for Gitelman syndrome. Last evaluated: 2020-09-16. Review status: no assertion criteria provided. Collection method: clinical testing. Allele origin: germline. Not counted in ClinVar's aggregate classification.

Genome Diagnostics Laboratory, University Medical Center Utrecht
Classification: Likely benign. Review status: no assertion criteria provided. Collection method: clinical testing. Allele origin: germline. Affected: yes. Study: VKGL Data-share Consensus. Not counted in ClinVar's aggregate classification.

Joint Genome Diagnostic Labs from Nijmegen and Maastricht, Radboudumc and MUMC+
Classification: Benign. Review status: no assertion criteria provided. Collection method: clinical testing. Allele origin: germline. Affected: yes. Study: VKGL Data-share Consensus. Not counted in ClinVar's aggregate classification.

Literature cited by the submitters: PubMed 22009145 (cited by Mayo Clinic Laboratories, Mayo Clinic); PubMed 31672324 (cited by Mayo Clinic Laboratories, Mayo Clinic).

NM_001126108.2(SLC12A3):c.2857-6G>A

Gene: SLC12A3 (solute carrier family 12 member 3; plus strand). Cytogenetic location: 16q13.
Variant type: single nucleotide variant.
Coding change: c.2857-6G>A on transcript NM_001126108.2 (MANE Select); 6 bases into the intron before coding-DNA position 2857, G replaced by A.
Molecular consequence: intron variant.
Genome position (GRCh38, 1-based): chr16:56,904,389, G>A. VCF-style: chr16-56904389-G-A. GRCh37 (hg19) VCF-style: chr16-56938301-G-A.
Other names: p.?; c.2884-6G>A (NM_000339.3); c.2881-6G>A (NM_001126107.2).
Identifiers: ClinVar variation 777269 (VCV000777269.47), dbSNP rs117981500, ClinGen allele CA8070128.